The following is an entry in ClinVar:

ClinVar aggregate classification (germline): Uncertain significance (1 of 4 stars; one submission).

Conditions:
Cardiovascular phenotype. Identifiers: MedGen CN230736.

Submission:

Ambry Genetics
Classification: Uncertain significance for Cardiovascular phenotype. Last evaluated: 2021-05-09. Review status: criteria provided, single submitter. Criteria: Ambry Variant Classification Scheme 2023. Collection method: clinical testing. Allele origin: germline.
Comment: The c.1671_1672insCTT variant (also known as p.E557_E558insL), located in coding exon 12 of the NEXN gene, results from an in-frame CTT insertion at nucleotide positions 1671 to 1672. This results in the insertion of an extra leucine residue between codons 557 and 558. This amino acid region is not well conserved in available vertebrate species. In addition, this alteration is predicted to be neutral by in silico analysis (Choi Y et al. PLoS ONE. 2012; 7(10):e46688). Since supporting evidence is limited at this time, the clinical significance of this alteration remains unclear.

NM_144573.4(NEXN):c.1671_1672insCTT (p.Glu557_Glu558insLeu)

Gene: NEXN (nexilin F-actin binding protein; plus strand). Cytogenetic location: 1p31.1.
Variant type: Insertion.
Coding change: c.1671_1672insCTT on transcript NM_144573.4 (MANE Select); coding-DNA positions 1671 to 1672, CTT inserted.
Protein change: p.Glu557_Glu558insLeu.
Molecular consequence: inframe insertion.
Genome position: GRCh38 VCF-style: chr1-77942472-G-GCTT. GRCh37 (hg19) VCF-style: chr1-78408157-G-GCTT.
Other names: c.1479_1480insCTT, p.Glu493_Glu494insLeu (NM_001172309.2).
Identifiers: ClinVar variation 1777686 (VCV001777686.2), dbSNP rs2523308041, ClinGen allele CA2580063256.
Genomic context (GRCh38, chr1:77,942,472, plus strand): 5'-CCCTGAAAATACTATAAATGCCAACCTGAATGCATTTATTTTAATACAGAAAAGAGAAGA[G>GCTT]GAGGAGGAGGAAGAAGGTAGCATCATGAATGGCTCCACTGCTGAAGATGAAGAGCAAACC-3'